The following is an entry in ClinVar:

NM_018249.6(CDK5RAP2):c.2611G>A (p.Ala871Thr)

Gene: CDK5RAP2 (CDK5 regulatory subunit associated protein 2; minus strand). Cytogenetic location: 9q33.2.
Variant type: single nucleotide variant.
Coding change: c.2611G>A on transcript NM_018249.6 (MANE Select); coding-DNA position 2611, G replaced by A.
Protein change: p.Ala871Thr; replaces alanine 871 with threonine.
Molecular consequence: missense variant. On other transcripts: non-coding transcript variant (5), intron variant (1).
Genome position (GRCh38, 1-based): chr9:120,453,638, C>T on the plus strand (G>A on the coding strand, the complement: CDK5RAP2 is on the minus strand). VCF-style: chr9-120453638-C-T. GRCh37 (hg19) VCF-style: chr9-123215916-C-T.
Other names: c.2611G>A, p.Ala871Thr (NM_001011649.3); c.2512G>A, p.Ala838Thr (NM_001410992.1); c.2515G>A, p.Ala839Thr (NM_001410993.1); c.2608G>A, p.Ala870Thr (NM_001410994.1); c.2104-5512G>A (NM_001272039.2); short protein forms A838T, A839T, A870T, A871T.
Identifiers: ClinVar variation 2149677 (VCV002149677.3), dbSNP rs368050761, ClinGen allele CA5214033.

ClinVar aggregate classification (germline): Uncertain significance. Review status: criteria provided, multiple submitters, no conflicts (2 of 4 stars). 2 submissions from 2 submitters: Uncertain significance (2). Last evaluated 2026-05-01.

Allele frequency attached by ClinVar (database versions not stated): ExAC 0.00007; ESP Exome Variant Server 0.00008; gnomAD 0.00009; TOPMed 0.00010; gnomAD exomes 0.00019.
gnomAD v4.1: 284 of 1,614,092 alleles (0.018%); highest among the groups gnomAD compares: Non-Finnish European, 0.023%; no homozygotes.

Submissions (2):

CeGaT Center for Human Genetics Tuebingen
Classification: Uncertain significance. Last evaluated: 2026-05-01. Review status: criteria provided, single submitter. Criteria: CeGaT Center For Human Genetics Tuebingen Variant Classification Criteria Version 2. Collection method: clinical testing. Allele origin: germline. Affected: yes. Observed: 1 variant allele.
Comment: CDK5RAP2: PM2, BP4

Labcorp Genetics (formerly Invitae), Labcorp
Classification: Uncertain significance. Last evaluated: 2022-07-05. Review status: criteria provided, single submitter. Criteria: Invitae Variant Classification Sherloc (09022015). Collection method: clinical testing. Allele origin: germline.
Comment: This sequence change replaces alanine, which is neutral and non-polar, with threonine, which is neutral and polar, at codon 871 of the CDK5RAP2 protein (p.Ala871Thr). This variant is present in population databases (rs368050761, gnomAD 0.02%). This variant has not been reported in the literature in individuals affected with CDK5RAP2-related conditions. Algorithms developed to predict the effect of missense changes on protein structure and function are either unavailable or do not agree on the potential impact of this missense change (SIFT: "Tolerated"; PolyPhen-2: "Possibly Damaging"; Align-GVGD: "Class C0"). In summary, the available evidence is currently insufficient to determine the role of this variant in disease. Therefore, it has been classified as a Variant of Uncertain Significance.